The following is an entry in ClinVar:

NM_000632.4(ITGAM):c.2050C>T (p.Arg684Cys)

Gene: ITGAM (integrin subunit alpha M; plus strand). Cytogenetic location: 16p11.2.
Variant type: single nucleotide variant.
Coding change: c.2050C>T on transcript NM_000632.4 (MANE Select); coding-DNA position 2050, C replaced by T.
Protein change: p.Arg684Cys; replaces arginine 684 with cysteine.
Molecular consequence: missense variant.
Genome position (GRCh38, 1-based): chr16:31,324,446, C>T. VCF-style: chr16-31324446-C-T. GRCh37 (hg19) VCF-style: chr16-31335767-C-T.
Other names: c.2053C>T, p.Arg685Cys (NM_001145808.2); short protein forms R685C, R684C.
Identifiers: ClinVar variation 2905856 (VCV002905856.3), dbSNP rs1409315332, ClinGen allele CA395686784.

ClinVar aggregate classification (germline): Uncertain significance (1 of 4 stars; one submission).

Allele frequency attached by ClinVar (database versions not stated): gnomAD 0.00001; gnomAD exomes 0.00002; TOPMed 0.00002.
gnomAD v4.1: 27 of 1,556,972 alleles (0.0017%); highest among the groups gnomAD compares: Non-Finnish European, 0.0023%; 1 homozygote.

Submission:

Labcorp Genetics (formerly Invitae), Labcorp
Classification: Uncertain significance. Last evaluated: 2025-11-05. Review status: criteria provided, single submitter. Criteria: Invitae Variant Classification Sherloc (09022015). Collection method: clinical testing. Allele origin: germline.
Comment: This sequence change replaces arginine, which is basic and polar, with cysteine, which is neutral and slightly polar, at codon 684 of the ITGAM protein (p.Arg684Cys). This variant is present in population databases (no rsID available, gnomAD 0.01%). This variant has not been reported in the literature in individuals affected with ITGAM-related conditions. ClinVar contains an entry for this variant (Variation ID: 2905856). An algorithm developed to predict the effect of missense changes on protein structure and function (PolyPhen-2) suggests that this variant is likely to be disruptive. In summary, the available evidence is currently insufficient to determine the role of this variant in disease. Therefore, it has been classified as a Variant of Uncertain Significance.